The following is an entry in ClinVar:

ClinVar aggregate classification (germline): Conflicting classifications of pathogenicity. Review status: criteria provided, conflicting classifications (1 of 4 stars). 2 submissions from 2 submitters: Uncertain significance (1); Likely benign (1). Last evaluated 2026-02-24.

Allele frequency attached by ClinVar (database versions not stated): ExAC 0.00008; gnomAD 0.00009; gnomAD exomes 0.00009; TOPMed 0.00009.
gnomAD v4.1: 105 of 1,614,116 alleles (0.0065%); highest among the groups gnomAD compares: Middle Eastern, 0.033%; no homozygotes.

Submissions (2):

Women's Health and Genetics/Laboratory Corporation of America, LabCorp
Classification: Uncertain significance. Last evaluated: 2026-02-24. Review status: criteria provided, single submitter. Criteria: LabCorp Variant Classification Summary - May 2015. Collection method: clinical testing. Allele origin: germline.
Comment: Variant summary: CYP11B1 c.138C>T alters a non-conserved nucleotide resulting in a synonymous change. Several computational tools predict a significant impact on normal splicing: Four predict the variant creates a cryptic 5' donor site and one predicts the variant has no significant impact on splicing. However, these predictions have yet to be confirmed by functional studies. The variant allele was found at a frequency of 8.7e-05 in 251432 control chromosomes. This frequency is not significantly higher than estimated for disease-causing variants in CYP11B1, allowing no conclusion about variant significance. To our knowledge, no occurrence of c.138C>T in individuals affected with CYP11B1-related conditions and no experimental evidence demonstrating its impact on protein function have been reported. ClinVar contains an entry for this variant (Variation ID: 1113752). Based on the evidence outlined above, the variant was classified as uncertain significance.

Labcorp Genetics (formerly Invitae), Labcorp
Classification: Likely benign. Last evaluated: 2026-02-02. Review status: criteria provided, single submitter. Criteria: Invitae Variant Classification Sherloc (09022015). Collection method: clinical testing. Allele origin: germline.

NM_000497.4(CYP11B1):c.138C>T (p.Gly46=)

Gene: CYP11B1 (cytochrome P450 family 11 subfamily B member 1; minus strand). Cytogenetic location: 8q24.3.
Variant type: single nucleotide variant.
Coding change: c.138C>T on transcript NM_000497.4 (MANE Select); coding-DNA position 138, C replaced by T.
Protein change: p.Gly46=; no amino-acid change (glycine 46 retained).
Molecular consequence: synonymous variant.
Genome position (GRCh38, 1-based): chr8:142,879,676, G>A on the plus strand (C>T on the coding strand, the complement: CYP11B1 is on the minus strand). VCF-style: chr8-142879676-G-A. GRCh37 (hg19) VCF-style: chr8-143961092-G-A.
Other names: c.138C>T, p.Gly46= (NM_001026213.1).
Identifiers: ClinVar variation 1113752 (VCV001113752.10), dbSNP rs768052570, ClinGen allele CA4905705.